The following is an entry in ClinVar:

ClinVar aggregate classification (germline): Uncertain significance. Review status: criteria provided, multiple submitters, no conflicts (2 of 4 stars). 2 submissions from 2 submitters: Uncertain significance (2). Last evaluated 2020-07-16.

Conditions:
Cataract 33. Also called: CATARACT 33, CORTICAL. Identifiers: Orphanet 91492, MedGen C3808107, MONDO:0012665, OMIM 611391.

Allele frequency attached by ClinVar (database versions not stated): 1000 Genomes Project 30x 0.00016; 1000 Genomes Project 0.00020; ESP Exome Variant Server 0.00023; gnomAD 0.00025 and 0.00027; TOPMed 0.00030.
gnomAD v4.1: 90 of 1,614,152 alleles (0.0056%); highest among the groups gnomAD compares: African/African-American, 0.092%; no homozygotes.

Submissions (2):

GeneDx
Classification: Uncertain significance. Last evaluated: 2020-07-16. Review status: criteria provided, single submitter. Criteria: GeneDx Variant Classification Process June 2021. Collection method: clinical testing. Allele origin: germline. Affected: yes.
Comment: In silico analysis supports that this missense variant has a deleterious effect on protein structure/function; Has not been previously published as pathogenic or benign to our knowledge

Labcorp Genetics (formerly Invitae), Labcorp
Classification: Uncertain significance for Cataract 33. Last evaluated: 2018-03-01. Review status: criteria provided, single submitter. Criteria: Invitae Variant Classification Sherloc (09022015). Collection method: clinical testing. Allele origin: germline.
Comment: Algorithms developed to predict the effect of missense changes on protein structure and function do not agree on the potential impact of this missense change (SIFT: "Deleterious"; PolyPhen-2: "Probably Damaging"; Align-GVGD: "Class C0"). In summary, the available evidence is currently insufficient to determine the role of this variant in disease. Therefore, it has been classified as a Variant of Uncertain Significance. This variant has not been reported in the literature in individuals with BFSP1-related disease. This variant is present in population databases (rs145017887, ExAC 0.08%). This sequence change replaces valine with methionine at codon 646 of the BFSP1 protein (p.Val646Met). The valine residue is highly conserved and there is a small physicochemical difference between valine and methionine.

NM_001195.5(BFSP1):c.1936G>A (p.Val646Met)

Gene: BFSP1 (beaded filament structural protein 1; minus strand). Cytogenetic location: 20p12.1.
Variant type: single nucleotide variant.
Coding change: c.1936G>A on transcript NM_001195.5 (MANE Select); coding-DNA position 1936, G replaced by A.
Protein change: p.Val646Met; replaces valine 646 with methionine.
Molecular consequence: missense variant.
Genome position (GRCh38, 1-based): chr20:17,494,136, C>T on the plus strand (G>A on the coding strand, the complement: BFSP1 is on the minus strand). VCF-style: chr20-17494136-C-T. GRCh37 (hg19) VCF-style: chr20-17474781-C-T.
Other names: c.1561G>A, p.Val521Met (NM_001161705.2); c.1519G>A, p.Val507Met (NM_001278606.2, NM_001278608.2); c.1603G>A, p.Val535Met (NM_001278607.2); short protein forms V646M, V507M, V521M, V535M.
Identifiers: ClinVar variation 570329 (VCV000570329.12), dbSNP rs145017887, ClinGen allele CA9771952.